The following is an entry in ClinVar:

ClinVar aggregate classification (germline): Uncertain significance (1 of 4 stars; one submission).

Conditions:
Tuberous sclerosis 2 (TSC2). Identifiers: Orphanet 805, MedGen C1860707, MONDO:0013199, OMIM 613254.

Submission:

Labcorp Genetics (formerly Invitae), Labcorp
Classification: Uncertain significance for Tuberous sclerosis 2. Last evaluated: 2023-01-19. Review status: criteria provided, single submitter. Criteria: Invitae Variant Classification Sherloc (09022015). Collection method: clinical testing. Allele origin: germline.
Comment: In summary, the available evidence is currently insufficient to determine the role of this variant in disease. Therefore, it has been classified as a Variant of Uncertain Significance. Experimental studies and prediction algorithms are not available or were not evaluated, and the functional significance of this variant is currently unknown. This variant has not been reported in the literature in individuals affected with TSC2-related conditions. Information on the frequency of this variant in the gnomAD database is not available, as this variant may be reported differently in the database. This variant, c.3576_3577delinsTT, is a complex sequence change that results in the deletion of 2 and insertion of 2 amino acid(s) in the TSC2 protein (p.Gln1192_Gly1193delinsHisCys).

NM_000548.5(TSC2):c.3576_3577delinsTT (p.Gln1192_Gly1193delinsHisCys)

Gene: TSC2 (TSC complex subunit 2; plus strand). Cytogenetic location: 16p13.3.
Variant type: Indel.
Coding change: c.3576_3577delinsTT on transcript NM_000548.5 (MANE Select); coding-DNA positions 3576 to 3577, GG replaced by TT.
Protein change: p.Gln1192_Gly1193delinsHisCys.
Molecular consequence: missense variant. On other transcripts: non-coding transcript variant (5).
Genome position (GRCh38, 1-based): chr16:2,080,343-2,080,344, GG replaced by TT. VCF-style: chr16-2080343-GG-TT. GRCh37 (hg19) VCF-style: chr16-2130344-GG-TT.
Other names: c.3444_3445delinsTT, p.Gln1148_Gly1149delinsHisCys (NM_001077183.3, NM_001370404.1, NM_001406665.1); c.3576_3577delinsTT, p.Gln1192_Gly1193delinsHisCys (NM_001114382.3); c.3336_3337delinsTT, p.Gln1112_Gly1113delinsHisCys (NM_001318827.2); c.3300_3301delinsTT, p.Gln1100_Gly1101delinsHisCys (NM_001318829.2); c.2844_2845delinsTT, p.Gln948_Gly949delinsHisCys (NM_001318831.2, NM_001406687.1, NM_001406688.1); c.3477_3478delinsTT, p.Gln1159_Gly1160delinsHisCys (NM_001318832.2); c.3447_3448delinsTT, p.Gln1149_Gly1150delinsHisCys (NM_001363528.2, NM_001370405.1, NM_021055.3); c.3573_3574delinsTT, p.Gln1191_Gly1192delinsHisCys (NM_001406663.1, NM_001406664.1); and 18 more.
Identifiers: ClinVar variation 2830036 (VCV002830036.3), dbSNP rs2544104736, ClinGen allele CA2739269932.